The following is an entry in ClinVar:

NM_016169.4(SUFU):c.551A>G (p.Gln184Arg)

Gene: SUFU (SUFU negative regulator of hedgehog signaling; plus strand). Cytogenetic location: 10q24.32.
Variant type: single nucleotide variant.
Coding change: c.551A>G on transcript NM_016169.4 (MANE Select); coding-DNA position 551, A replaced by G.
Protein change: p.Gln184Arg; replaces glutamine 184 with arginine.
Molecular consequence: missense variant.
Genome position (GRCh38, 1-based): chr10:102,592,678, A>G. VCF-style: chr10-102592678-A-G. GRCh37 (hg19) VCF-style: chr10-104352435-A-G.
Other names: c.551A>G, p.Gln184Arg (NM_001178133.2); short protein forms Q184R.
Identifiers: ClinVar variation 3757232 (VCV003757232.2).

ClinVar aggregate classification (germline): Uncertain significance (1 of 4 stars; one submission).

Conditions:
Gorlin syndrome. Also called: Nevoid Basal Cell Carcinoma Syndrome; Basal cell nevus syndrome. Identifiers: Orphanet 377, MedGen C0004779, MONDO:0007187.
Medulloblastoma (MDB). Also called: Medulloblastoma, somatic; MEDULLOBLASTOMA PREDISPOSITION SYNDROME. Identifiers: Orphanet 616, MedGen C0025149, MeSH D008527, MONDO:0007959, OMIM 155255, HP:0002885.

Submission:

Labcorp Genetics (formerly Invitae), Labcorp
Classification: Uncertain significance for Gorlin syndrome; Medulloblastoma. Last evaluated: 2024-07-13. Review status: criteria provided, single submitter. Criteria: Invitae Variant Classification Sherloc (09022015). Collection method: clinical testing. Allele origin: germline.
Comment: This sequence change replaces glutamine, which is neutral and polar, with arginine, which is basic and polar, at codon 184 of the SUFU protein (p.Gln184Arg). This variant is not present in population databases (gnomAD no frequency). This variant has not been reported in the literature in individuals affected with SUFU-related conditions. Advanced modeling of protein sequence and biophysical properties (such as structural, functional, and spatial information, amino acid conservation, physicochemical variation, residue mobility, and thermodynamic stability) performed at Invitae indicates that this missense variant is not expected to disrupt SUFU protein function with a negative predictive value of 80%. In summary, the available evidence is currently insufficient to determine the role of this variant in disease. Therefore, it has been classified as a Variant of Uncertain Significance.